The following is an entry in ClinVar:

NM_000051.4(ATM):c.7905C>G (p.Ala2635=)

Genes: ATM (ATM serine/threonine kinase; plus strand), C11orf65 (chromosome 11 open reading frame 65; minus strand). Cytogenetic location: 11q22.3.
Variant type: single nucleotide variant.
Coding change: c.7905C>G on transcript NM_000051.4 (MANE Select); coding-DNA position 7905, C replaced by G.
Protein change: p.Ala2635=; no amino-acid change (alanine 2635 retained).
Molecular consequence: synonymous variant. On other transcripts: intron variant (2).
Genome position (GRCh38, 1-based): chr11:108,332,878, C>G. VCF-style: chr11-108332878-C-G. GRCh37 (hg19) VCF-style: chr11-108203605-C-G.
Other names: c.7905C>G, p.Ala2635= (NM_001351834.2); c.641-23807G>C (NM_001330368.2); c.*38+2342G>C (NM_001351110.2).
Identifiers: ClinVar variation 3254099 (VCV003254099.1), dbSNP rs757829783.

ClinVar aggregate classification (germline): Benign (1 of 4 stars; one submission).

Conditions:
Familial cancer of breast. Also called: hereditary breast carcinoma; BREAST CANCER, FAMILIAL; Hereditary breast cancer. Identifiers: Orphanet 227535, MedGen C0346153, MONDO:0016419, OMIM 114480. Disease mechanism: loss of function.

Submission:

Myriad Genetics, Inc.
Classification: Benign for Familial cancer of breast. Last evaluated: 2024-06-17. Review status: criteria provided, single submitter. Criteria: Myriad Autosomal Dominant, Autosomal Recessive and X-Linked Classification Criteria (2023). Collection method: clinical testing. Allele origin: unknown.
Comment: This variant is considered benign. This variant is a silent/synonymous amino acid change and it is not expected to impact splicing.